The following is an entry in ClinVar:

NM_004069.6(AP2S1):c.189T>C (p.Ala63=)

Gene: AP2S1 (adaptor related protein complex 2 subunit sigma 1; minus strand). Cytogenetic location: 19q13.32.
Variant type: single nucleotide variant.
Coding change: c.189T>C on transcript NM_004069.6 (MANE Select); coding-DNA position 189, T replaced by C.
Protein change: p.Ala63=; no amino-acid change (alanine 63 retained).
Molecular consequence: synonymous variant. On other transcripts: intron variant (1).
Genome position (GRCh38, 1-based): chr19:46,839,543, A>G on the plus strand (T>C on the coding strand, the complement: AP2S1 is on the minus strand). VCF-style: chr19-46839543-A-G. GRCh37 (hg19) VCF-style: chr19-47342800-A-G.
Other names: c.237T>C, p.Ala79= (NM_001301076.3); c.231T>C, p.Ala77= (NM_001301078.3); c.195T>C, p.Ala65= (NM_001301081.3); c.154-744T>C (NM_021575.5).
Identifiers: ClinVar variation 3029162 (VCV003029162.2), dbSNP rs2514059427, ClinGen allele CA507883693.

ClinVar aggregate classification (germline): Likely benign (0 of 4 stars; one submission).

Conditions:
AP2S1-related disorder. Also called: AP2S1-related condition.

Submission:

PreventionGenetics, part of Exact Sciences
Classification: Likely benign for AP2S1-related condition. Last evaluated: 2021-11-02. Review status: no assertion criteria provided. Collection method: clinical testing. Allele origin: germline.
Comment: This variant is classified as likely benign based on ACMG/AMP sequence variant interpretation guidelines (Richards et al. 2015 PMID: 25741868, with internal and published modifications).